The following is an entry in ClinVar:

NM_020738.4(KIDINS220):c.1363A>T (p.Thr455Ser)

Gene: KIDINS220 (kinase D interacting substrate 220; minus strand). Cytogenetic location: 2p25.1.
Variant type: single nucleotide variant.
Coding change: c.1363A>T on transcript NM_020738.4 (MANE Select); coding-DNA position 1363, A replaced by T.
Protein change: p.Thr455Ser; replaces threonine 455 with serine.
Molecular consequence: missense variant. On other transcripts: non-coding transcript variant (2).
Genome position (GRCh38, 1-based): chr2:8,791,138, T>A on the plus strand (A>T on the coding strand, the complement: KIDINS220 is on the minus strand). VCF-style: chr2-8791138-T-A. GRCh37 (hg19) VCF-style: chr2-8931268-T-A.
Other names: c.1366A>T, p.Thr456Ser (NM_001348729.2, NM_001348731.2, NM_001348734.2 and 3 more transcripts); c.1363A>T, p.Thr455Ser (NM_001348732.2, NM_001348735.2, NM_001348738.2 and 3 more transcripts); c.1237A>T, p.Thr413Ser (NM_001348736.2); short protein forms T455S, T456S, T413S.
Identifiers: ClinVar variation 4997034 (VCV004997034.1).

ClinVar aggregate classification (germline): Uncertain significance (1 of 4 stars; one submission).

Conditions:
KIDINS220-related disorder. Also called: KIDINS220-related condition.

Submission:

PreventionGenetics, part of Exact Sciences
Classification: Uncertain significance for KIDINS220-related condition. Last evaluated: 2025-03-22. Review status: criteria provided, single submitter. Criteria: ACMG Guidelines, 2015. Collection method: clinical testing. Allele origin: germline.
Comment: The KIDINS220 c.1363A>T variant is predicted to result in the amino acid substitution p.Thr455Ser. To our knowledge, this variant has not been reported in the literature or in a large population database (gnomAD), indicating it is rare. At this time, the clinical significance of this variant is uncertain due to the absence of conclusive functional and genetic evidence.